The following is an entry in ClinVar:

NM_031283.3(TCF7L1):c.1458G>A (p.Leu486=)

Gene: TCF7L1 (transcription factor 7 like 1; plus strand). Cytogenetic location: 2p11.2.
Variant type: single nucleotide variant.
Coding change: c.1458G>A on transcript NM_031283.3 (MANE Select); coding-DNA position 1458, G replaced by A.
Protein change: p.Leu486=; no amino-acid change (leucine 486 retained).
Molecular consequence: synonymous variant.
Genome position (GRCh38, 1-based): chr2:85,309,153, G>A. VCF-style: chr2-85309153-G-A. GRCh37 (hg19) VCF-style: chr2-85536276-G-A.
Identifiers: ClinVar variation 2651092 (VCV002651092.24), dbSNP rs141268521, ClinGen allele CA1739007.

ClinVar aggregate classification (germline): Likely benign (1 of 4 stars; one submission).

Allele frequency attached by ClinVar (database versions not stated): 1000 Genomes Project 0.00040; 1000 Genomes Project 30x 0.00047; ExAC 0.00429; TOPMed 0.00224; gnomAD 0.00263; ESP Exome Variant Server 0.00331; gnomAD exomes 0.00424.
gnomAD v4.1: 6,492 of 1,612,894 alleles (0.4%); highest among the groups gnomAD compares: Non-Finnish European, 0.51%; 23 homozygotes.

Submission:

CeGaT Center for Human Genetics Tuebingen
Classification: Likely benign. Last evaluated: 2022-10-01. Review status: criteria provided, single submitter. Criteria: CeGaT Center For Human Genetics Tuebingen Variant Classification Criteria Version 2. Collection method: clinical testing. Allele origin: germline. Affected: yes. Observed: 1 variant allele.
Comment: TCF7L1: BP4, BP7